The following is an entry in ClinVar:

NC_000006.11:g.(?_39881041)_(39902176_?)dup

Gene: MOCS1 (molybdenum cofactor synthesis 1; minus strand). Cytogenetic location: 6p21.2.
Variant type: Duplication.
Identifiers: ClinVar variation 1010550 (VCV001010550.5).

ClinVar aggregate classification (germline): Uncertain significance (1 of 4 stars; one submission).

Conditions:
Sulfite oxidase deficiency due to molybdenum cofactor deficiency type A. Also called: Molybdenum Cofactor Deficiency A; Molybdenum cofactor deficiency, complementation group A. Identifiers: Orphanet 308386, Orphanet 833, MedGen C1854988, MONDO:0009643, OMIM 252150.

Submission:

Labcorp Genetics (formerly Invitae), Labcorp
Classification: Uncertain significance for Sulfite oxidase deficiency due to molybdenum cofactor deficiency type A. Last evaluated: 2020-02-11. Review status: criteria provided, single submitter. Criteria: Invitae Variant Classification Sherloc (09022015). Collection method: clinical testing. Allele origin: germline.
Comment: In summary, the available evidence is currently insufficient to determine the role of this variant in disease. Therefore, it has been classified as a Variant of Uncertain Significance. This variant has not been reported in the literature in individuals with MOCS1-related conditions. This variant results in a copy number gain of the genomic region encompassing exons 1-6 of the MOCS1 gene, which includes the initiator codon. The 5' end of this event is unknown as it extends beyond the assayed region for this gene and therefore may encompass additional genes. The 3' boundary is likely confined to intron 6 of the MOCS1 gene. As the precise location of this event is unknown, it may be in tandem or it may be located elsewhere in the genome.